The following is an entry in ClinVar:

ClinVar aggregate classification (germline): Uncertain significance (1 of 4 stars; one submission).

Submission:

CeGaT Center for Human Genetics Tuebingen
Classification: Uncertain significance. Last evaluated: 2023-10-01. Review status: criteria provided, single submitter. Criteria: CeGaT Center For Human Genetics Tuebingen Variant Classification Criteria Version 2. Collection method: clinical testing. Allele origin: germline. Affected: yes. Observed: 1 variant allele.
Comment: TANC2: PM2, PP3

NM_001394998.1(TANC2):c.2306T>C (p.Phe769Ser)

Gene: TANC2 (tetratricopeptide repeat, ankyrin repeat and coiled-coil containing 2; plus strand). Cytogenetic location: 17q23.3.
Variant type: single nucleotide variant.
Coding change: c.2306T>C on transcript NM_001394998.1 (MANE Select); coding-DNA position 2306, T replaced by C.
Protein change: p.Phe769Ser; replaces phenylalanine 769 with serine.
Molecular consequence: missense variant.
Genome position (GRCh38, 1-based): chr17:63,355,114, T>C. VCF-style: chr17-63355114-T-C. GRCh37 (hg19) VCF-style: chr17-61432475-T-C.
Other names: c.2084T>C, p.Phe695Ser (NM_001411076.1, NM_025185.4); short protein forms F695S, F769S.
Identifiers: ClinVar variation 2648053 (VCV002648053.24), dbSNP rs2510100056, ClinGen allele CA400524384.